The following is an entry in ClinVar:

NM_004100.5(EYA4):c.992dup (p.Ser331fs)

Gene: EYA4 (EYA transcriptional coactivator and phosphatase 4; plus strand). Cytogenetic location: 6q23.2.
Variant type: Duplication.
Coding change: c.992dup on transcript NM_004100.5 (MANE Select); coding-DNA position 992, one base duplicated (G; older notation c.992dupG).
Protein change: p.Ser331fs; shifts the reading frame from serine 331.
Molecular consequence: frameshift variant.
Genome position (GRCh38, 1-based): chr6:133,481,484, G duplicated. VCF-style (leftmost placement, unchanged base first): chr6-133481483-A-AG. GRCh37 (hg19) VCF-style: chr6-133802621-A-AG.
Other names: c.848dup, p.Ser283fs (NM_001370459.1); c.923dup, p.Ser308fs (NM_172103.4, NM_001370458.1); c.992dup, p.Ser331fs (NM_172105.4); c.992dupG (NM_004100.5); c.830dup, p.Ser277fs (NM_001301012.2); c.1010dup, p.Ser337fs (NM_001301013.2); short protein forms S277fs, S308fs, S331fs, S337fs, S283fs.
Identifiers: ClinVar variation 2445629 (VCV002445629.1), dbSNP rs2534855814, ClinGen allele CA2580075027.

ClinVar aggregate classification (germline): Pathogenic (1 of 4 stars; one submission).

Conditions:
Autosomal dominant nonsyndromic hearing loss 10. Identifiers: Orphanet 90635, MedGen C1832476, MONDO:0011031, OMIM 601316.

Submission:

King Laboratory, University of Washington
Classification: Pathogenic for Autosomal dominant nonsyndromic hearing loss 10. Last evaluated: 2023-02-28. Review status: criteria provided, single submitter. Criteria: Li et al. (Genet Med. 2022). Collection method: research. Allele origin: unknown. Affected: yes.
Comment: The family history of this patient is unknown. This variant is single base pair duplication that leads to frameshift which is predicted to lead to a premature stop at codon 340 of the 639-amino acid protein. As of January 2023, this variant has not been reported to ClinVar and is not found on gnomAD. Based on the prediction that this variant leads to a truncated protein and goodness of fit of genotype to phenotype, we conclude that this variant is pathogenic.

Literature cited by the submitters: PubMed 36633841.